The following is an entry in ClinVar:

ClinVar aggregate classification (germline): Uncertain significance. Review status: criteria provided, multiple submitters, no conflicts (2 of 4 stars). 3 submissions from 3 submitters: Uncertain significance (3). Last evaluated 2025-05-01.

Conditions:
BBS2-related disorder. Also called: BBS2-related disorders; BBS2-related condition. Identifiers: MedGen CN239228.
Inborn genetic diseases. Identifiers: MedGen C0950123, MeSH D030342.
Bardet-Biedl syndrome (BBS). Identifiers: Orphanet 110, MedGen C0752166, MONDO:0015229.

Allele frequency attached by ClinVar (database versions not stated): gnomAD exomes below 0.00001; gnomAD 0.00001; TOPMed 0.00002.
gnomAD v4.1: 3 of 1,612,474 alleles (0.00019%); highest among the groups gnomAD compares: African/African-American, 0.0027%; no homozygotes.

Submissions (3):

Ambry Genetics
Classification: Uncertain significance for Inborn genetic diseases. Last evaluated: 2025-05-01. Review status: criteria provided, single submitter. Criteria: Ambry Variant Classification Scheme 2023. Collection method: clinical testing. Allele origin: germline.

PreventionGenetics, part of Exact Sciences
Classification: Uncertain significance for BBS2-related condition. Last evaluated: 2025-04-03. Review status: criteria provided, single submitter. Criteria: ACMG Guidelines, 2015. Collection method: clinical testing. Allele origin: germline.
Comment: The BBS2 c.620C>T variant is predicted to result in the amino acid substitution p.Thr207Ile. To our knowledge, this variant has not been reported in the literature or in a large population database (gnomAD), indicating this variant is rare. At this time, the clinical significance of this variant is uncertain due to the absence of conclusive functional and genetic evidence.

Labcorp Genetics (formerly Invitae), Labcorp
Classification: Uncertain significance for Bardet-Biedl syndrome. Last evaluated: 2021-08-12. Review status: criteria provided, single submitter. Criteria: Invitae Variant Classification Sherloc (09022015). Collection method: clinical testing. Allele origin: germline.
Comment: This sequence change replaces threonine with isoleucine at codon 207 of the BBS2 protein (p.Thr207Ile). The threonine residue is highly conserved and there is a moderate physicochemical difference between threonine and isoleucine. This variant is not present in population databases (ExAC no frequency). This variant has not been reported in the literature in individuals affected with BBS2-related conditions. Algorithms developed to predict the effect of missense changes on protein structure and function are either unavailable or do not agree on the potential impact of this missense change (SIFT: "Deleterious"; PolyPhen-2: "Benign"; Align-GVGD: "Class C65"). In summary, the available evidence is currently insufficient to determine the role of this variant in disease. Therefore, it has been classified as a Variant of Uncertain Significance.

NM_031885.5(BBS2):c.620C>T (p.Thr207Ile)

Gene: BBS2 (Bardet-Biedl syndrome 2; minus strand). Cytogenetic location: 16q13.
Variant type: single nucleotide variant.
Coding change: c.620C>T on transcript NM_031885.5 (MANE Select); coding-DNA position 620, C replaced by T.
Protein change: p.Thr207Ile; replaces threonine 207 with isoleucine.
Molecular consequence: missense variant. On other transcripts: non-coding transcript variant (5).
Genome position (GRCh38, 1-based): chr16:56,506,217, G>A on the plus strand (C>T on the coding strand, the complement: BBS2 is on the minus strand). VCF-style: chr16-56506217-G-A. GRCh37 (hg19) VCF-style: chr16-56540129-G-A.
Other names: c.620C>T (NM_031885.3); c.620C>T, p.Thr207Ile (NM_001377456.1); short protein forms T207I.
Identifiers: ClinVar variation 1980907 (VCV001980907.3), dbSNP rs1964419379, ClinGen allele CA395983329.
Genomic context (GRCh38, chr16:56,506,217, plus strand): 5'-CCAACTGTGCCATTGGAAAGGGCATAACCAAATCGACTGCCATACATGGGACAAAGAGAG[G>A]TGACTATCTGCAAAACAATCCACAAAAACACAACATCTTTTCATTAAGACTCAGTTTACT-3'
Protein context (NP_114091.4, residues 197-217): VAEMTETEIV[Thr207Ile]SLCPMYGSRF